The following is an entry in ClinVar:

NM_005751.5(AKAP9):c.2370G>A (p.Met790Ile)

Gene: AKAP9 (A-kinase anchoring protein 9; plus strand). Cytogenetic location: 7q21.2.
Variant type: single nucleotide variant.
Coding change: c.2370G>A on transcript NM_005751.5 (MANE Select); coding-DNA position 2370, G replaced by A.
Protein change: p.Met790Ile; replaces methionine 790 with isoleucine.
Molecular consequence: missense variant.
Genome position (GRCh38, 1-based): chr7:92,002,287, G>A. VCF-style: chr7-92002287-G-A. GRCh37 (hg19) VCF-style: chr7-91631601-G-A.
Other names: c.2370G>A, p.Met790Ile (NM_147185.3); short protein forms M790I.
Identifiers: ClinVar variation 457092 (VCV000457092.10), dbSNP rs1298504605, ClinGen allele CA368123959.

ClinVar aggregate classification (germline): Conflicting classifications of pathogenicity. Review status: criteria provided, conflicting classifications (1 of 4 stars). 3 submissions from 3 submitters: Uncertain significance (2); Likely benign (1). Last evaluated 2026-01-07.

Conditions:
Cardiovascular phenotype. Identifiers: MedGen CN230736.
Long QT syndrome (LQTS). Identifiers: MedGen C0023976, MeSH D008133, MONDO:0002442. Disease mechanism: loss of function. Inheritance: Various modes of inheritance.

Allele frequency attached by ClinVar (database versions not stated): gnomAD exomes 0.00001 and below 0.00001; gnomAD 0.00001.
gnomAD v4.1: 14 of 1,611,876 alleles (0.00087%); highest among the groups gnomAD compares: Non-Finnish European, 0.0011%; no homozygotes.

Submissions (3):

Labcorp Genetics (formerly Invitae), Labcorp
Classification: Uncertain significance for Long QT syndrome. Last evaluated: 2026-01-07. Review status: criteria provided, single submitter. Criteria: Invitae Variant Classification Sherloc (09022015). Collection method: clinical testing. Allele origin: germline.
Comment: This sequence change replaces methionine, which is neutral and non-polar, with isoleucine, which is neutral and non-polar, at codon 790 of the AKAP9 protein (p.Met790Ile). This variant is present in population databases (no rsID available, gnomAD 0.0009%). This variant has not been reported in the literature in individuals affected with AKAP9-related conditions. ClinVar contains an entry for this variant (Variation ID: 457092). An algorithm developed to predict the effect of missense changes on protein structure and function (PolyPhen-2) suggests that this variant is likely to be tolerated. In summary, the available evidence is currently insufficient to determine the role of this variant in disease. Therefore, it has been classified as a Variant of Uncertain Significance.

Ambry Genetics
Classification: Likely benign for Cardiovascular phenotype. Last evaluated: 2024-04-18. Review status: criteria provided, single submitter. Criteria: Ambry Variant Classification Scheme 2023. Collection method: clinical testing. Allele origin: germline.

Stanford Center for Inherited Cardiovascular Disease, Stanford University
Classification: Uncertain significance. Review status: criteria provided, single submitter. Criteria: ACMG Guidelines, 2015. Collection method: provider interpretation. Allele origin: germline.